The following is an entry in ClinVar:

Conditions:
Long QT syndrome 5 (LQT5). Identifiers: Orphanet 101016, Orphanet 768, MedGen C1867904, MONDO:0013372, OMIM 613695.

Submission:

Roden Lab, Vanderbilt University Medical Center
No classification provided (evidence only). Condition: Long QT syndrome 5. Review status: no classification provided. Collection method: in vitro. Allele origin: not applicable. Functional consequence: Effect on ion channel function.
ClinVar note: "not provided" was previously submitted as the classification for the variant. However, the classification appeared to be based only on an observation of functional data so it was converted to no classification on 2025-07-30.

NM_000219.6(KCNE1):c.182T>A (p.Ile61Asn)

Gene: KCNE1 (potassium voltage-gated channel subfamily E regulatory subunit 1; minus strand). Cytogenetic location: 21q22.12.
Variant type: single nucleotide variant.
Coding change: c.182T>A on transcript NM_000219.6 (MANE Select); coding-DNA position 182, T replaced by A.
Protein change: p.Ile61Asn; replaces isoleucine 61 with asparagine.
Molecular consequence: missense variant.
Genome position (GRCh38, 1-based): chr21:34,449,453, A>T on the plus strand (T>A on the coding strand, the complement: KCNE1 is on the minus strand). VCF-style: chr21-34449453-A-T. GRCh37 (hg19) VCF-style: chr21-35821751-A-T.
Other names: c.182T>A, p.Ile61Asn (NM_001127668.4, NM_001127669.4, NM_001127670.4 and 4 more transcripts); short protein forms I61N.
Identifiers: ClinVar variation 3374262 (VCV003374262.2).
Genomic context (GRCh38, chr21:34,449,453, plus strand): 5'-TAGACGTTGAATGGGTCGTTCGAGTGCTCCAGCTTCTTGGAGCGGATGTAGCTCAGCATG[A>T]TGCCCAGGGTGAAGAAGCCGAAGAATCCCAGTACCATGAGGACGTAGAGGGCCTCCAGCT-3'
Protein context (NP_000210.2, residues 51-71): LGFFGFFTLG[Ile61Asn]MLSYIRSKKL